The following is an entry in ClinVar:

NM_001253697.2(ERBIN):c.55G>C (p.Gly19Arg)

Gene: ERBIN (erbb2 interacting protein; plus strand). Cytogenetic location: 5q12.3.
Variant type: single nucleotide variant.
Coding change: c.55G>C on transcript NM_001253697.2 (MANE Select); coding-DNA position 55, G replaced by C.
Protein change: p.Gly19Arg; replaces glycine 19 with arginine.
Molecular consequence: missense variant.
Genome position (GRCh38, 1-based): chr5:65,992,773, G>C. VCF-style: chr5-65992773-G-C. GRCh37 (hg19) VCF-style: chr5-65288601-G-C.
Other names: c.55G>C, p.Gly19Arg (NM_001006600.3, NM_001253698.2, NM_001253699.2 and 2 more transcripts); short protein forms G19R.
Identifiers: ClinVar variation 2778767 (VCV002778767.3), dbSNP rs937184250, ClinGen allele CA120403230.

ClinVar aggregate classification (germline): Uncertain significance (1 of 4 stars; one submission).

Allele frequency attached by ClinVar (database versions not stated): TOPMed below 0.00001.

Submission:

Labcorp Genetics (formerly Invitae), Labcorp
Classification: Uncertain significance. Last evaluated: 2023-11-24. Review status: criteria provided, single submitter. Criteria: Invitae Variant Classification Sherloc (09022015). Collection method: clinical testing. Allele origin: germline.
Comment: This sequence change replaces glycine, which is neutral and non-polar, with arginine, which is basic and polar, at codon 19 of the ERBIN protein (p.Gly19Arg). This variant is present in population databases (no rsID available, gnomAD 0.0009%). This variant has not been reported in the literature in individuals affected with ERBIN-related conditions. An algorithm developed to predict the effect of missense changes on protein structure and function (PolyPhen-2) suggests that this variant is likely to be disruptive. In summary, the available evidence is currently insufficient to determine the role of this variant in disease. Therefore, it has been classified as a Variant of Uncertain Significance.